The following is an entry in ClinVar:

NM_007361.4(NID2):c.2489G>A (p.Arg830Gln)

Gene: NID2 (nidogen 2; minus strand). Cytogenetic location: 14q22.1.
Variant type: single nucleotide variant.
Coding change: c.2489G>A on transcript NM_007361.4 (MANE Select); coding-DNA position 2489, G replaced by A.
Protein change: p.Arg830Gln; replaces arginine 830 with glutamine.
Molecular consequence: missense variant.
Genome position (GRCh38, 1-based): chr14:52,028,763, C>T on the plus strand (G>A on the coding strand, the complement: NID2 is on the minus strand). VCF-style: chr14-52028763-C-T. GRCh37 (hg19) VCF-style: chr14-52495481-C-T.
Other names: short protein forms R830Q.
Identifiers: ClinVar variation 3341604 (VCV003341604.16).
Genomic context (GRCh38, chr14:52,028,763, plus strand): 5'-AAATGATTTTGGAACTCACAGATGCAAGTATGCCGGTCATCTGCAAACTCATAACCACTC[C>T]GGCACTCACACCTGTAGCTTCCAGGCAAGTTGATACATACAGAGTTGGGGCCACAGCGAT-3'
Protein context (NP_031387.3, residues 820-840): NLPGSYRCEC[Arg830Gln]SGYEFADDRH

ClinVar aggregate classification (germline): Benign (1 of 4 stars; one submission).

gnomAD v4.1: 9,500 of 1,613,978 alleles (0.59%); highest among the groups gnomAD compares: Middle Eastern, 4.5%; 100 homozygotes.

Submission:

CeGaT Center for Human Genetics Tuebingen
Classification: Benign. Last evaluated: 2024-09-01. Review status: criteria provided, single submitter. Criteria: CeGaT Center For Human Genetics Tuebingen Variant Classification Criteria Version 2. Collection method: clinical testing. Allele origin: germline. Affected: yes. Observed: 1 variant allele.
Comment: NID2: BP4, BS1, BS2